The following is an entry in ClinVar:

ClinVar aggregate classification (germline): Uncertain significance. Review status: criteria provided, multiple submitters, no conflicts (2 of 4 stars). 2 submissions from 2 submitters: Uncertain significance (2). Last evaluated 2024-06-16.

Conditions:
Charcot-Marie-Tooth disease type 2. Also called: Charcot-Marie-Tooth type 2. Identifiers: Orphanet 64746, MedGen C0270914, MONDO:0018993.

Submissions (2):

Ambry Genetics
Classification: Uncertain significance. Last evaluated: 2024-06-16. Review status: criteria provided, single submitter. Criteria: Ambry Variant Classification Scheme 2023. Collection method: clinical testing. Allele origin: germline.
Comment: The p.V781I variant (also known as c.2341G>A), located in coding exon 22 of the KIF1B gene, results from a G to A substitution at nucleotide position 2341. The valine at codon 781 is replaced by isoleucine, an amino acid with highly similar properties. This amino acid position is conserved. In addition, the in silico prediction for this alteration is inconclusive. Based on the available evidence, the clinical significance of this variant remains unclear.

Labcorp Genetics (formerly Invitae), Labcorp
Classification: Uncertain significance for Charcot-Marie-Tooth disease type 2. Last evaluated: 2023-02-11. Review status: criteria provided, single submitter. Criteria: Invitae Variant Classification Sherloc (09022015). Collection method: clinical testing. Allele origin: germline.
Comment: This variant is not present in population databases (gnomAD no frequency). In summary, the available evidence is currently insufficient to determine the role of this variant in disease. Therefore, it has been classified as a Variant of Uncertain Significance. Advanced modeling of protein sequence and biophysical properties (such as structural, functional, and spatial information, amino acid conservation, physicochemical variation, residue mobility, and thermodynamic stability) performed at Invitae indicates that this missense variant is not expected to disrupt KIF1B protein function. This variant has not been reported in the literature in individuals affected with KIF1B-related conditions. This sequence change replaces valine, which is neutral and non-polar, with isoleucine, which is neutral and non-polar, at codon 781 of the KIF1B protein (p.Val781Ile).

NM_001365951.3(KIF1B):c.2479G>A (p.Val827Ile)

Gene: KIF1B (kinesin family member 1B; plus strand). Cytogenetic location: 1p36.22.
Variant type: single nucleotide variant.
Coding change: c.2479G>A on transcript NM_001365951.3 (MANE Select); coding-DNA position 2479, G replaced by A.
Protein change: p.Val827Ile; replaces valine 827 with isoleucine.
Molecular consequence: missense variant.
Genome position (GRCh38, 1-based): chr1:10,324,004, G>A. VCF-style: chr1-10324004-G-A. GRCh37 (hg19) VCF-style: chr1-10384062-G-A.
Other names: c.2479G>A, p.Val827Ile (NM_001365952.1); c.2341G>A, p.Val781Ile (NM_015074.3); short protein forms V781I, V827I.
Identifiers: ClinVar variation 2707355 (VCV002707355.4), dbSNP rs2521623061, ClinGen allele CA338334856.